The following is an entry in ClinVar:

ClinVar aggregate classification (germline): Uncertain significance. Review status: criteria provided, multiple submitters, no conflicts (2 of 4 stars). 2 submissions from 2 submitters: Uncertain significance (2). Last evaluated 2025-02-08.

Conditions:
Inborn genetic diseases. Identifiers: MedGen C0950123, MeSH D030342.

gnomAD v4.1: 339 of 1,563,050 alleles (0.022%); highest among the groups gnomAD compares: Non-Finnish European, 0.027%; no homozygotes.

Submissions (2):

Dasa
Classification: Uncertain significance. Last evaluated: 2025-02-08. Review status: criteria provided, single submitter. Criteria: DASA Assertion Criteria. Collection method: clinical testing. Allele origin: germline.
Comment: NM_001271938.2(MEGF8):c.4682C>T (p.Pro1561Leu) is a missense variant that results in the substitution of proline with leucine. This variant is rare in population databases. Computational prediction algorithms are consistent with a benign effect. The currently available literature and clinical evidence are not sufficient to establish a definitive association between this variant and the reported condition. Therefore, this variant is classified as a variant of uncertain significance.

Ambry Genetics
Classification: Uncertain significance for Inborn genetic diseases. Last evaluated: 2025-01-08. Review status: criteria provided, single submitter. Criteria: Ambry Variant Classification Scheme 2023. Collection method: clinical testing. Allele origin: germline.

NM_001271938.2(MEGF8):c.4682C>T (p.Pro1561Leu)

Gene: MEGF8 (multiple EGF like domains 8; plus strand). Cytogenetic location: 19q13.2.
Variant type: single nucleotide variant.
Coding change: c.4682C>T on transcript NM_001271938.2 (MANE Select); coding-DNA position 4682, C replaced by T.
Protein change: p.Pro1561Leu; replaces proline 1561 with leucine.
Molecular consequence: missense variant.
Genome position (GRCh38, 1-based): chr19:42,356,833, C>T. VCF-style: chr19-42356833-C-T. GRCh37 (hg19) VCF-style: chr19-42860985-C-T.
Other names: c.4481C>T, p.Pro1494Leu (NM_001410.3); short protein forms P1494L, P1561L.
Identifiers: ClinVar variation 3872151 (VCV003872151.3).